The following is an entry in ClinVar:

ClinVar aggregate classification (germline): Uncertain significance. Review status: criteria provided, multiple submitters, no conflicts (2 of 4 stars). 3 submissions from 3 submitters: Uncertain significance (3). Last evaluated 2024-10-22.

Conditions:
Inborn genetic diseases. Identifiers: MedGen C0950123, MeSH D030342.

Allele frequency attached by ClinVar (database versions not stated): ExAC 0.00056; TOPMed 0.00058; 1000 Genomes Project 0.00060; gnomAD exomes 0.00060 and 0.00110; 1000 Genomes Project 30x 0.00062; gnomAD 0.00064 and 0.00066; ESP Exome Variant Server 0.00131.
gnomAD v4.1: 1,686 of 1,611,980 alleles (0.1%); highest among the groups gnomAD compares: Non-Finnish European, 0.13%; 1 homozygote.

Submissions (3):

Blueprint Genetics
Classification: Uncertain significance. Last evaluated: 2024-10-22. Review status: criteria provided, single submitter. Criteria: ACMG Guidelines, 2015. Collection method: clinical testing. Allele origin: germline.

Labcorp Genetics (formerly Invitae), Labcorp
Classification: Uncertain significance. Last evaluated: 2022-10-18. Review status: criteria provided, single submitter. Criteria: Invitae Variant Classification Sherloc (09022015). Collection method: clinical testing. Allele origin: germline.
Comment: This sequence change replaces proline, which is neutral and non-polar, with leucine, which is neutral and non-polar, at codon 279 of the DONSON protein (p.Pro279Leu). This variant is present in population databases (rs147115711, gnomAD 0.1%), and has an allele count higher than expected for a pathogenic variant. This variant has not been reported in the literature in individuals affected with DONSON-related conditions. ClinVar contains an entry for this variant (Variation ID: 1474061). Advanced modeling of protein sequence and biophysical properties (such as structural, functional, and spatial information, amino acid conservation, physicochemical variation, residue mobility, and thermodynamic stability) performed at Invitae indicates that this missense variant is expected to disrupt DONSON protein function. In summary, the available evidence is currently insufficient to determine the role of this variant in disease. Therefore, it has been classified as a Variant of Uncertain Significance.

Ambry Genetics
Classification: Uncertain significance for Inborn genetic diseases. Last evaluated: 2021-06-21. Review status: criteria provided, single submitter. Criteria: Ambry Variant Classification Scheme 2023. Collection method: clinical testing. Allele origin: germline.

NM_017613.4(DONSON):c.836C>T (p.Pro279Leu)

Gene: DONSON (DNA replication fork stabilization factor DONSON; minus strand). Cytogenetic location: 21q22.11.
Variant type: single nucleotide variant.
Coding change: c.836C>T on transcript NM_017613.4 (MANE Select); coding-DNA position 836, C replaced by T.
Protein change: p.Pro279Leu; replaces proline 279 with leucine.
Molecular consequence: missense variant.
Genome position (GRCh38, 1-based): chr21:33,583,616, G>A on the plus strand (C>T on the coding strand, the complement: DONSON is on the minus strand). VCF-style: chr21-33583616-G-A. GRCh37 (hg19) VCF-style: chr21-34955922-G-A.
Other names: c.836C>T (NM_017613.2); short protein forms P279L.
Identifiers: ClinVar variation 1474061 (VCV001474061.5), dbSNP rs147115711, ClinGen allele CA10010490.
Genomic context (GRCh38, chr21:33,583,616, plus strand): 5'-CCAGCTAATCCTGCTGCTCGGAACAGGACAGTAAACTGATAGGTACAAACGTAGAAATAG[G>A]GGCAAAGTTTTGTCTTCAGCAAATTATATAGAGAAGTAAAGCTCACAGACCTATGAAGTA-3'
Protein context (NP_060083.1, residues 269-289): LYNLLKTKLC[Pro279Leu]YFYVCTYQFT